The following is an entry in ClinVar:

NM_183050.4(BCKDHB):c.475C>A (p.Gln159Lys)

Gene: BCKDHB (branched chain keto acid dehydrogenase E1 subunit beta; plus strand). Cytogenetic location: 6q14.1.
Variant type: single nucleotide variant.
Coding change: c.475C>A on transcript NM_183050.4 (MANE Select); coding-DNA position 475, C replaced by A.
Protein change: p.Gln159Lys; replaces glutamine 159 with lysine.
Molecular consequence: missense variant. On other transcripts: non-coding transcript variant (6).
Genome position (GRCh38, 1-based): chr6:80,167,809, C>A. VCF-style: chr6-80167809-C-A. GRCh37 (hg19) VCF-style: chr6-80877526-C-A.
Other names: c.475C>A, p.Gln159Lys (NM_000056.5, NM_001424035.1, NM_001424036.1 and 8 more transcripts); c.265C>A, p.Gln89Lys (NM_001318975.1, NM_001424043.1); short protein forms Q159K, Q89K.
Identifiers: ClinVar variation 2673070 (VCV002673070.23), dbSNP rs2481884229, ClinGen allele CA364660633.

ClinVar aggregate classification (germline): Likely pathogenic (1 of 4 stars; one submission).

Submission:

CeGaT Center for Human Genetics Tuebingen
Classification: Likely pathogenic. Last evaluated: 2023-11-01. Review status: criteria provided, single submitter. Criteria: CeGaT Center For Human Genetics Tuebingen Variant Classification Criteria Version 2. Collection method: clinical testing. Allele origin: germline. Affected: yes. Observed: 1 variant allele.
Comment: BCKDHB: PM2, PM3, PP3, PP4, PS3:Supporting